The following is an entry in ClinVar:

ClinVar aggregate classification (germline): Uncertain significance (1 of 4 stars; one submission).

Conditions:
Glycogen storage disease, type IV (GSD4). Also called: Glycogen storage disease due to glycogen branching enzyme deficiency; AMYLOPECTINOSIS; ANDERSEN DISEASE; BRANCHER DEFICIENCY; CIRRHOSIS, FAMILIAL, WITH DEPOSITION OF ABNORMAL GLYCOGEN; GBE1 DEFICIENCY. Identifiers: Orphanet 367, MedGen C0017923, MONDO:0009292, OMIM 232500.

Submission:

3billion
Classification: Uncertain significance for Glycogen storage disease, type IV. Last evaluated: 2025-06-25. Review status: criteria provided, single submitter. Criteria: ACMG Guidelines, 2015. Collection method: clinical testing. Allele origin: germline. Affected: yes.
Comment: The variant is not observed in the gnomAD v4.1.0 dataset. Predicted Consequence/Location: Missense variant. The majority of the known disease-causing variants of this gene are variants expected to result in premature termination of the protein. In silico tool predictions suggest damaging effect of the variant on gene or gene product [REVEL: 0.87 (>=0.6, sensitivity 0.68 and specificity 0.92)]. Therefore, this variant is classified as VUS according to the recommendation of ACMG/AMP guideline.

NM_000158.4(GBE1):c.593G>C (p.Arg198Thr)

Gene: GBE1 (1,4-alpha-glucan branching enzyme 1; minus strand). Cytogenetic location: 3p12.2.
Variant type: single nucleotide variant.
Coding change: c.593G>C on transcript NM_000158.4 (MANE Select); coding-DNA position 593, G replaced by C.
Protein change: p.Arg198Thr; replaces arginine 198 with threonine.
Molecular consequence: missense variant.
Genome position (GRCh38, 1-based): chr3:81,648,954, C>G on the plus strand (G>C on the coding strand, the complement: GBE1 is on the minus strand). VCF-style: chr3-81648954-C-G. GRCh37 (hg19) VCF-style: chr3-81698105-C-G.
Other names: short protein forms R198T.
Identifiers: ClinVar variation 4293104 (VCV004293104.2).